The following is an entry in ClinVar:

ClinVar aggregate classification (germline): Likely benign (0 of 4 stars; one submission).

Conditions:
UACA-related disorder. Also called: UACA-related condition.

Allele frequency attached by ClinVar (database versions not stated): gnomAD 0.00002; TOPMed 0.00002; gnomAD exomes 0.00008.
gnomAD v4.1: 98 of 1,334,340 alleles (0.0073%); highest among the groups gnomAD compares: Non-Finnish European, 0.0092%; no homozygotes.

Submission:

PreventionGenetics, part of Exact Sciences
Classification: Likely benign for UACA-related condition. Last evaluated: 2019-04-11. Review status: no assertion criteria provided. Collection method: clinical testing. Allele origin: germline.
Comment: This variant is classified as likely benign based on ACMG/AMP sequence variant interpretation guidelines (Richards et al. 2015 PMID: 25741868, with internal and published modifications).

NM_018003.4(UACA):c.60C>T (p.Gly20=)

Genes: UACA (uveal autoantigen with coiled-coil domains and ankyrin repeats; minus strand), LOC130057444 (ATAC-STARR-seq lymphoblastoid silent region 6609; plus strand). Cytogenetic location: 15q23.
Variant type: single nucleotide variant.
Coding change: c.60C>T on transcript NM_018003.4 (MANE Select); coding-DNA position 60, C replaced by T.
Protein change: p.Gly20=; no amino-acid change (glycine 20 retained).
Molecular consequence: synonymous variant.
Genome position (GRCh38, 1-based): chr15:70,763,348, G>A on the plus strand (C>T on the coding strand, the complement: UACA is on the minus strand). VCF-style: chr15-70763348-G-A. GRCh37 (hg19) VCF-style: chr15-71055687-G-A.
Identifiers: ClinVar variation 3057798 (VCV003057798.2), dbSNP rs1004131889, ClinGen allele CA273141053.